The following is an entry in ClinVar:

NM_025179.4(PLXNA2):c.587dup (p.Thr197fs)

Gene: PLXNA2 (plexin A2; minus strand). Cytogenetic location: 1q32.2.
Variant type: Duplication.
Coding change: c.587dup on transcript NM_025179.4 (MANE Select); coding-DNA position 587, one base duplicated (C; older notation c.587dupC).
Protein change: p.Thr197fs; shifts the reading frame from threonine 197.
Molecular consequence: frameshift variant.
Genome position (GRCh38, 1-based): chr1:208,217,336, G duplicated on the plus strand (C on the coding strand, the reverse complement: PLXNA2 is on the minus strand); the first of 3 consecutive G bases (chr1:208,217,336-208,217,338); duplicating any one gives the same sequence. VCF-style (leftmost placement, unchanged base first): chr1-208217335-C-CG. GRCh37 (hg19) VCF-style: chr1-208390680-C-CG.
Other names: short protein forms T197fs.
Identifiers: ClinVar variation 4998252 (VCV004998252.1).

ClinVar aggregate classification (germline): Uncertain significance (1 of 4 stars; one submission).

Conditions:
PLXNA2-related disorder. Also called: PLXNA2-related condition.

Submission:

PreventionGenetics, part of Exact Sciences
Classification: Uncertain significance for PLXNA2-related condition. Last evaluated: 2025-05-28. Review status: criteria provided, single submitter. Criteria: ACMG Guidelines, 2015. Collection method: clinical testing. Allele origin: germline.
Comment: The PLXNA2 c.587dupC variant is predicted to result in a frameshift and premature protein termination (p.Thr197Aspfs*12). To our knowledge, this variant has not been reported in the literature or in a large population database (gnomAD), indicating this variant is rare. Loss of function is not an established mechanism of PLXNA2-related disease. At this time, the clinical significance of this variant is uncertain due to the absence of conclusive functional and genetic evidence.